The following is an entry in ClinVar:

NM_000051.4(ATM):c.1733A>G (p.Lys578Arg)

Gene: ATM (ATM serine/threonine kinase; plus strand). Cytogenetic location: 11q22.3.
Variant type: single nucleotide variant.
Coding change: c.1733A>G on transcript NM_000051.4 (MANE Select); coding-DNA position 1733, A replaced by G.
Protein change: p.Lys578Arg; replaces lysine 578 with arginine.
Molecular consequence: missense variant.
Genome position (GRCh38, 1-based): chr11:108,251,962, A>G. VCF-style: chr11-108251962-A-G. GRCh37 (hg19) VCF-style: chr11-108122689-A-G.
Other names: c.1733A>G, p.Lys578Arg (NM_001351834.2); short protein forms K578R.
Identifiers: ClinVar variation 645710 (VCV000645710.8), dbSNP rs1266358260, ClinGen allele CA382535310.

ClinVar aggregate classification (germline): Conflicting classifications of pathogenicity. Review status: criteria provided, conflicting classifications (1 of 4 stars). 2 submissions from 2 submitters: Uncertain significance (1); Likely benign (1). Last evaluated 2021-08-31.

Conditions:
Hereditary cancer-predisposing syndrome. Also called: Neoplastic Syndromes, Hereditary; Hereditary Cancer Syndrome; Hereditary neoplastic syndrome; Tumor predisposition. Identifiers: Orphanet 140162, MedGen C0027672, MeSH D009386, MONDO:0015356.
Ataxia-telangiectasia syndrome (AT). Also called: LOUIS-BAR SYNDROME; Ataxia-telangiectasia, complementation group E; Ataxia-telangiectasia, complementation group D; AT, COMPLEMENTATION GROUP C; Ataxia telangiectasia (A-T); Cerebello-oculocutaneous telangiectasia. Identifiers: Orphanet 100, MedGen C0004135, MONDO:0008840, OMIM 208900.

Allele frequency attached by ClinVar (database versions not stated): gnomAD exomes below 0.00001.
gnomAD v4.1: 1 of 1,613,854 alleles (0.000062%); highest among the groups gnomAD compares: South Asian, 0.0011%; no homozygotes.

Submissions (2):

Ambry Genetics
Classification: Likely benign for Hereditary cancer-predisposing syndrome. Last evaluated: 2021-08-31. Review status: criteria provided, single submitter. Criteria: Ambry Variant Classification Scheme 2023. Collection method: clinical testing. Allele origin: germline.

Labcorp Genetics (formerly Invitae), Labcorp
Classification: Uncertain significance for Ataxia-telangiectasia syndrome. Last evaluated: 2021-08-28. Review status: criteria provided, single submitter. Criteria: Invitae Variant Classification Sherloc (09022015). Collection method: clinical testing. Allele origin: germline.
Comment: This sequence change replaces lysine with arginine at codon 578 of the ATM protein (p.Lys578Arg). The lysine residue is moderately conserved and there is a small physicochemical difference between lysine and arginine. This variant is not present in population databases (ExAC no frequency). This variant has not been reported in the literature in individuals affected with ATM-related conditions. Algorithms developed to predict the effect of missense changes on protein structure and function output the following: SIFT: "Tolerated"; PolyPhen-2: "Benign"; Align-GVGD: "Class C0". The arginine amino acid residue is found in multiple mammalian species, which suggests that this missense change does not adversely affect protein function. In summary, the available evidence is currently insufficient to determine the role of this variant in disease. Therefore, it has been classified as a Variant of Uncertain Significance.